The following is an entry in ClinVar:

ClinVar aggregate classification (germline): Pathogenic (1 of 4 stars; one submission).

Submission:

Labcorp Genetics (formerly Invitae), Labcorp
Classification: Pathogenic. Last evaluated: 2023-01-05. Review status: criteria provided, single submitter. Criteria: Invitae Variant Classification Sherloc (09022015). Collection method: clinical testing. Allele origin: germline.
Comment: For these reasons, this variant has been classified as Pathogenic. Algorithms developed to predict the effect of sequence changes on RNA splicing suggest that this variant may disrupt the consensus splice site. This variant has not been reported in the literature in individuals affected with CDH23-related conditions. This variant is not present in population databases (gnomAD no frequency). This sequence change creates a premature translational stop signal (p.Ala2753Serfs*5) in the CDH23 gene. It is expected to result in an absent or disrupted protein product. Loss-of-function variants in CDH23 are known to be pathogenic (PMID: 11138009, 21940737).

Literature cited by the submitters: PubMed 11138009; PubMed 21940737.

NM_022124.6(CDH23):c.8257_8258del (p.Ala2753fs)

Gene: CDH23 (cadherin related 23; plus strand). Cytogenetic location: 10q22.1.
Variant type: Microsatellite.
Coding change: c.8257_8258del on transcript NM_022124.6 (MANE Select); coding-DNA positions 8257 to 8258, 2 bases deleted (GC; older notation c.8257_8258delGC).
Protein change: p.Ala2753fs; shifts the reading frame from alanine 2753.
Molecular consequence: frameshift variant.
Genome position (GRCh38, 1-based): chr10:71,807,355-71,807,356, GC deleted; deleting any 2 consecutive bases within chr10:71,807,353-71,807,356 gives the same sequence; the c. name uses the placement nearest the transcript's 3' end. VCF-style (leftmost placement, unchanged base first): chr10-71807352-GGC-G. GRCh37 (hg19) VCF-style: chr10-73567109-GGC-G.
Other names: c.1537_1538del, p.Ala513fs (NM_001171933.1, NM_001171934.1); short protein forms A2753fs, A513fs.
Identifiers: ClinVar variation 2826450 (VCV002826450.3), dbSNP rs2494433846, ClinGen allele CA2609585598.
Genomic context (GRCh38, chr10:71,807,352, plus strand): 5'-TACCAGCTGCTGACAGTGCCTGAGCACTCACCACGCGGCACCCTCGTGGGCAACGTGACA[GGC>G]GCAGTGGATGCAGATGAGGGCCCCAACGCGATCGTGTACTACTTCATCGCAGGTGGGGCC-3'